The following is an entry in ClinVar:

NM_001267550.2(TTN):c.74860C>T (p.Leu24954Phe)

Genes: TTN-AS1 (TTN antisense RNA 1; plus strand), TTN (titin; minus strand). Cytogenetic location: 2q31.2.
Variant type: single nucleotide variant.
Coding change: c.74860C>T on transcript NM_001267550.2 (MANE Select); coding-DNA position 74860, C replaced by T.
Protein change: p.Leu24954Phe; replaces leucine 24954 with phenylalanine.
Molecular consequence: missense variant.
Genome position (GRCh38, 1-based): chr2:178,571,272, G>A on the plus strand (C>T on the coding strand, the complement: TTN is on the minus strand). VCF-style: chr2-178571272-G-A. GRCh37 (hg19) VCF-style: chr2-179435999-G-A.
Other names: c.69937C>T, p.Leu23313Phe (NM_001256850.1); c.47665C>T, p.Leu15889Phe (NM_003319.4); c.67156C>T, p.Leu22386Phe (NM_133378.4); c.48040C>T, p.Leu16014Phe (NM_133432.3); c.48241C>T, p.Leu16081Phe (NM_133437.4); short protein forms L24954F, L16014F, L16081F, L22386F, L23313F, L15889F.
Identifiers: ClinVar variation 467474 (VCV000467474.16), dbSNP rs202191466, ClinGen allele CA1990134.
Genomic context (GRCh38, chr2:178,571,272, plus strand): 5'-CAAGGCCAGTTGTCTTAAACTTGGTTTGAGGAATAGGTGTTTTATTCAACTTAACCCAGA[G>A]GATGCTATTTCTTTCCTTGCGTTCTAGATGATAGCCAATGACTCTACTTCCTCCATCACT-3'
Protein context (NP_001254479.2, residues 24944-24964): HLERKERNSI[Leu24954Phe]WVKLNKTPIP

ClinVar aggregate classification (germline): Conflicting classifications of pathogenicity. Review status: criteria provided, conflicting classifications (1 of 4 stars). 5 submissions from 5 submitters: Uncertain significance (3); Likely benign (2). Last evaluated 2026-09-03.

Conditions:
Autosomal recessive limb-girdle muscular dystrophy type 2J (LGMDR10). Also called: Limb-girdle muscular dystrophy, type 2J; MUSCULAR DYSTROPHY, LIMB-GIRDLE, AUTOSOMAL RECESSIVE 10. Identifiers: Orphanet 140922, MedGen C1837342, MONDO:0012127, OMIM 608807.
Dilated cardiomyopathy 1G (CMD1G). Identifiers: Orphanet 154, MedGen C1858763, MONDO:0011400, OMIM 604145.
TTN-related disorder. Also called: TTN-related condition; TTN-related disease; TTN-related disorders.

Allele frequency attached by ClinVar (database versions not stated): gnomAD 0.00001; TOPMed 0.00001; gnomAD exomes 0.00003 and 0.00011; ExAC 0.00014.
gnomAD v4.1: 40 of 1,613,316 alleles (0.0025%); highest among the groups gnomAD compares: Admixed American, 0.045%; no homozygotes.

Submissions (5):

PreventionGenetics, part of Exact Sciences
Classification: Uncertain significance for TTN-related condition. Last evaluated: 2026-09-03. Review status: criteria provided, single submitter. Criteria: ACMG Guidelines, 2015. Collection method: clinical testing. Allele origin: germline.
Comment: The TTN c.74860C>T variant is predicted to result in the amino acid substitution p.Leu24954Phe. To our knowledge, this variant has not been reported in the literature. This variant is reported in 0.070% of alleles in individuals of Latino descent in gnomAD. Although we suspect that this variant may be benign, at this time, the clinical significance of this variant is uncertain due to the absence of conclusive functional and genetic evidence.

Women's Health and Genetics/Laboratory Corporation of America, LabCorp
Classification: Uncertain significance. Last evaluated: 2025-07-24. Review status: criteria provided, single submitter. Criteria: LabCorp Variant Classification Summary - May 2015. Collection method: clinical testing. Allele origin: germline.

Labcorp Genetics (formerly Invitae), Labcorp
Classification: Likely benign for Dilated cardiomyopathy 1G; Autosomal recessive limb-girdle muscular dystrophy type 2J. Last evaluated: 2025-05-08. Review status: criteria provided, single submitter. Criteria: Invitae Variant Classification Sherloc (09022015). Collection method: clinical testing. Allele origin: germline.

Revvity Omics, Revvity
Classification: Uncertain significance. Last evaluated: 2019-11-08. Review status: criteria provided, single submitter. Criteria: ACMG Guidelines, 2015. Collection method: clinical testing. Allele origin: germline.

GeneDx
Classification: Likely benign. Last evaluated: 2018-04-05. Review status: criteria provided, single submitter. Criteria: GeneDx Variant Classification (06012015). Collection method: clinical testing. Allele origin: germline. Affected: yes.
Comment: This variant is considered likely benign or benign based on one or more of the following criteria: it is a conservative change, it occurs at a poorly conserved position in the protein, it is predicted to be benign by multiple in silico algorithms, and/or has population frequency not consistent with disease.